The following is an entry in ClinVar:

NM_001458.5(FLNC):c.2008G>T (p.Val670Leu)

Gene: FLNC (filamin C; plus strand). Cytogenetic location: 7q32.1.
Variant type: single nucleotide variant.
Coding change: c.2008G>T on transcript NM_001458.5 (MANE Select); coding-DNA position 2008, G replaced by T.
Protein change: p.Val670Leu; replaces valine 670 with leucine.
Molecular consequence: missense variant.
Genome position (GRCh38, 1-based): chr7:128,841,454, G>T. VCF-style: chr7-128841454-G-T. GRCh37 (hg19) VCF-style: chr7-128481508-G-T.
Other names: c.2008G>T, p.Val670Leu (NM_001127487.2); short protein forms V670L.
Identifiers: ClinVar variation 1784362 (VCV001784362.2), dbSNP rs1374793464, ClinGen allele CA369227573.

ClinVar aggregate classification (germline): Uncertain significance (1 of 4 stars; one submission).

Conditions:
Cardiovascular phenotype. Identifiers: MedGen CN230736.

gnomAD v4.1: 2 of 1,613,898 alleles (0.00012%); highest among the groups gnomAD compares: Non-Finnish European, 0.00017%; no homozygotes.

Submission:

Ambry Genetics
Classification: Uncertain significance for Cardiovascular phenotype. Last evaluated: 2021-04-05. Review status: criteria provided, single submitter. Criteria: Ambry Variant Classification Scheme 2023. Collection method: clinical testing. Allele origin: germline.
Comment: The p.V670L variant (also known as c.2008G>T) is located in coding exon 13 of the FLNC gene. The valine at codon 670 is replaced by leucine, an amino acid with highly similar properties. This change occurs in the first base pair of coding exon 13. This amino acid position is highly conserved in available vertebrate species. In addition, this alteration is predicted to be deleterious by in silico analysis. Since supporting evidence is limited at this time, the clinical significance of this alteration remains unclear.